The following is an entry in ClinVar:

ClinVar aggregate classification (germline): Uncertain significance (1 of 4 stars; one submission).

Submission:

Labcorp Genetics (formerly Invitae), Labcorp
Classification: Uncertain significance. Last evaluated: 2024-08-29. Review status: criteria provided, single submitter. Criteria: Invitae Variant Classification Sherloc (09022015). Collection method: clinical testing. Allele origin: germline.
Comment: This sequence change replaces alanine, which is neutral and non-polar, with valine, which is neutral and non-polar, at codon 678 of the SIN3A protein (p.Ala678Val). This variant is not present in population databases (gnomAD no frequency). This variant has not been reported in the literature in individuals affected with SIN3A-related conditions. Invitae Evidence Modeling of protein sequence and biophysical properties (such as structural, functional, and spatial information, amino acid conservation, physicochemical variation, residue mobility, and thermodynamic stability) indicates that this missense variant is not expected to disrupt SIN3A protein function with a negative predictive value of 80%. In summary, the available evidence is currently insufficient to determine the role of this variant in disease. Therefore, it has been classified as a Variant of Uncertain Significance.

NM_001145358.2(SIN3A):c.2033C>T (p.Ala678Val)

Gene: SIN3A (SIN3 transcription regulator family member A; minus strand). Cytogenetic location: 15q24.2.
Variant type: single nucleotide variant.
Coding change: c.2033C>T on transcript NM_001145358.2 (MANE Select); coding-DNA position 2033, C replaced by T.
Protein change: p.Ala678Val; replaces alanine 678 with valine.
Molecular consequence: missense variant.
Genome position (GRCh38, 1-based): chr15:75,396,318, G>A on the plus strand (C>T on the coding strand, the complement: SIN3A is on the minus strand). VCF-style: chr15-75396318-G-A. GRCh37 (hg19) VCF-style: chr15-75688659-G-A.
Other names: c.2033C>T, p.Ala678Val (NM_001145357.2, NM_015477.3); short protein forms A678V.
Identifiers: ClinVar variation 3655399 (VCV003655399.2).